The following is an entry in ClinVar:

NM_000441.2(SLC26A4):c.*1797G>C

Gene: SLC26A4 (solute carrier family 26 member 4; plus strand). Cytogenetic location: 7q22.3.
Variant type: single nucleotide variant.
Coding change: c.*1797G>C on transcript NM_000441.2 (MANE Select); 1797 bases downstream of the stop codon, G replaced by C.
Molecular consequence: 3 prime UTR variant.
Genome position (GRCh38, 1-based): chr7:107,717,243, G>C. VCF-style: chr7-107717243-G-C. GRCh37 (hg19) VCF-style: chr7-107357688-G-C.
Identifiers: ClinVar variation 358524 (VCV000358524.5), dbSNP rs76820337, ClinGen allele CA10627937.

ClinVar aggregate classification (germline): Benign. Review status: criteria provided, single submitter (1 of 4 stars). 2 submissions from 1 submitter: Benign (2). Last evaluated 2018-01-12.

Conditions:
Autosomal recessive nonsyndromic hearing loss 4 (DFNB4). Also called: NEUROSENSORY NONSYNDROMIC RECESSIVE DEAFNESS 4; FOXI1-Related Pendred Syndrome; KCNJ10-Related Pendred Syndrome; DEAFNESS, AUTOSOMAL RECESSIVE 4, WITH ENLARGED VESTIBULAR AQUEDUCT, DIGENIC; Nonsyndromic enlarged vestibular aqueduct (NSEVA); Deafness, autosomal recessive 4, with enlarged vestibular aqueduct. Identifiers: Orphanet 90636, MedGen C3538946, MONDO:0010933, OMIM 600791.
Pendred syndrome (PDS). Also called: DEAFNESS WITH GOITER; GOITER-DEAFNESS SYNDROME; HYPOTHYROIDISM, CONGENITAL, DUE TO DYSHORMONOGENESIS, 2B; THYROID DYSHORMONOGENESIS 2B; THYROID HORMONOGENESIS, GENETIC DEFECT IN, 2B; Pendred's syndrome. Identifiers: Orphanet 705, MedGen C0271829, MONDO:0010134, OMIM 274600.

Allele frequency attached by ClinVar (database versions not stated): gnomAD exomes 0.02041; gnomAD 0.04164 and 0.04454; 1000 Genomes Project 30x 0.04731; TOPMed 0.04734; 1000 Genomes Project 0.04752.
gnomAD v4.1: 6,278 of 152,134 alleles (4.1%); highest among the groups gnomAD compares: African/African-American, 14%; 429 homozygotes.

Submissions (2):

Illumina Laboratory Services, Illumina
Classification: Benign for Autosomal recessive nonsyndromic hearing loss 4. Last evaluated: 2018-01-12. Review status: criteria provided, single submitter. Criteria: ICSL Variant Classification Criteria 13 December 2019. Collection method: clinical testing. Allele origin: germline.
Comment: This variant was observed in the ICSL laboratory as part of a predisposition screen in an ostensibly healthy population. It had not been previously curated by ICSL or reported in the Human Gene Mutation Database (HGMD: prior to June 1st, 2018), and was therefore a candidate for classification through an automated scoring system. Utilizing variant allele frequency, disease prevalence and penetrance estimates, and inheritance mode, an automated score was calculated to assess if this variant is too frequent to cause the disease. Based on the score and internal cut-off values, a variant classified as benign is not then subjected to further curation. The score for this variant resulted in a classification of benign for this disease.

Illumina Laboratory Services, Illumina
Classification: Benign for Pendred syndrome. Last evaluated: 2018-01-12. Review status: criteria provided, single submitter. Criteria: ICSL Variant Classification Criteria 13 December 2019. Collection method: clinical testing. Allele origin: germline.
Comment: the same text as in the submission from Illumina Laboratory Services, Illumina above.